The following is an entry in ClinVar:

ClinVar aggregate classification (germline): Uncertain significance. Review status: criteria provided, multiple submitters, no conflicts (2 of 4 stars). 2 submissions from 2 submitters: Uncertain significance (2). Last evaluated 2024-06-25.

Conditions:
Brugada syndrome. Also called: Sudden unexplained nocturnal death syndrome; Sudden unexpected nocturnal death syndrome; Sudden Unexplained Death Syndrome; Sudden Unexplained Nocturnal Death Syndrome (SUNDS). Identifiers: Orphanet 130, MedGen C1142166, MONDO:0015263.

Allele frequency attached by ClinVar (database versions not stated): ExAC 0.00001; gnomAD 0.00001; gnomAD exomes 0.00002; TOPMed 0.00006.
gnomAD v4.1: 8 of 1,613,814 alleles (0.0005%); highest among the groups gnomAD compares: Non-Finnish European, 0.00068%; no homozygotes.

Submissions (2):

Labcorp Genetics (formerly Invitae), Labcorp
Classification: Uncertain significance for Brugada syndrome. Last evaluated: 2024-06-25. Review status: criteria provided, single submitter. Criteria: Invitae Variant Classification Sherloc (09022015). Collection method: clinical testing. Allele origin: germline.
Comment: This sequence change replaces glutamine, which is neutral and polar, with histidine, which is basic and polar, at codon 711 of the SLMAP protein (p.Gln711His). This variant is present in population databases (rs758343458, gnomAD 0.004%). This variant has not been reported in the literature in individuals affected with SLMAP-related conditions. ClinVar contains an entry for this variant (Variation ID: 838845). An algorithm developed to predict the effect of missense changes on protein structure and function (PolyPhen-2) suggests that this variant is likely to be disruptive. In summary, the available evidence is currently insufficient to determine the role of this variant in disease. Therefore, it has been classified as a Variant of Uncertain Significance.

Ambry Genetics
Classification: Uncertain significance. Last evaluated: 2023-01-05. Review status: criteria provided, single submitter. Criteria: Ambry Variant Classification Scheme 2023. Collection method: clinical testing. Allele origin: germline.
Comment: The p.Q711H variant (also known as c.2133G>C), located in coding exon 19 of the SLMAP gene, results from a G to C substitution at nucleotide position 2133. The glutamine at codon 711 is replaced by histidine, an amino acid with highly similar properties. This amino acid position is conserved. In addition, the in silico prediction for this alteration is inconclusive. Since supporting evidence is limited at this time, the clinical significance of this alteration remains unclear.

NM_001377540.1(SLMAP):c.2235G>C (p.Gln745His)

Gene: SLMAP (sarcolemma associated protein; plus strand). Cytogenetic location: 3p14.3.
Variant type: single nucleotide variant.
Coding change: c.2235G>C on transcript NM_001377540.1 (MANE Select); coding-DNA position 2235, G replaced by C.
Protein change: p.Gln745His; replaces glutamine 745 with histidine.
Molecular consequence: missense variant. On other transcripts: non-coding transcript variant (1).
Genome position (GRCh38, 1-based): chr3:57,917,002, G>C. VCF-style: chr3-57917002-G-C. GRCh37 (hg19) VCF-style: chr3-57902729-G-C.
Other names: c.2184G>C, p.Gln728His (NM_001304420.3, NM_001377541.1, NM_001377542.1); c.2070G>C, p.Gln690His (NM_001304421.2, NM_001377557.1, NM_001377559.1); c.786G>C, p.Gln262His (NM_001304422.3, NM_001311178.2); c.588G>C, p.Gln196His (NM_001304423.3); c.663G>C, p.Gln221His (NM_001311179.2, NM_001377926.1, NM_001377927.1); c.2256G>C, p.Gln752His (NM_001377538.1); c.2235G>C, p.Gln745His (NM_001377539.1); c.2172G>C, p.Gln724His (NM_001377545.1); and 8 more; short protein forms Q690H, Q745H, Q687H, Q704H, Q724H, Q196H, Q262H, Q649H.
Identifiers: ClinVar variation 838845 (VCV000838845.8), dbSNP rs758343458, ClinGen allele CA2467325.